The following is an entry in ClinVar:

NM_004991.4(MECOM):c.1768G>A (p.Gly590Ser)

Gene: MECOM (MDS1 and EVI1 complex locus; minus strand). Cytogenetic location: 3q26.2.
Variant type: single nucleotide variant.
Coding change: c.1768G>A on transcript NM_004991.4 (MANE Select); coding-DNA position 1768, G replaced by A.
Protein change: p.Gly590Ser; replaces glycine 590 with serine.
Molecular consequence: missense variant. On other transcripts: intron variant (2).
Genome position (GRCh38, 1-based): chr3:169,116,104, C>T on the plus strand (G>A on the coding strand, the complement: MECOM is on the minus strand). VCF-style: chr3-169116104-C-T. GRCh37 (hg19) VCF-style: chr3-168833892-C-T.
Other names: c.1399G>A, p.Gly467Ser (NM_001105077.4); c.1204G>A, p.Gly402Ser (NM_001105078.4, NM_001164000.2, NM_001205194.2 and 4 more transcripts); c.1207G>A, p.Gly403Ser (NM_001163999.2, NM_001366467.2, NM_001366468.2 and 1 more transcripts); c.1768G>A, p.Gly590Ser (NM_001366466.2); c.1133-337G>A (NM_001366473.2); c.569-337G>A (NM_001366474.2); short protein forms G402S, G403S, G467S, G590S.
Identifiers: ClinVar variation 4859747 (VCV004859747.1).

ClinVar aggregate classification (germline): Uncertain significance (1 of 4 stars; one submission).

Conditions:
Inborn genetic diseases. Identifiers: MedGen C0950123, MeSH D030342.

gnomAD v4.1: 1 of 1,614,144 alleles (0.000062%); highest among the groups gnomAD compares: Non-Finnish European, 0.000085%; no homozygotes.

Submission:

Ambry Genetics
Classification: Uncertain significance for Inborn genetic diseases. Last evaluated: 2026-04-22. Review status: criteria provided, single submitter. Criteria: Ambry Variant Classification Scheme 2023. Collection method: clinical testing. Allele origin: germline.
Comment: The p.G590S variant (also known as c.1768G>A), located in coding exon 8 of the MECOM gene, results from a G to A substitution at nucleotide position 1768. The glycine at codon 590 is replaced by serine, an amino acid with similar properties. This amino acid position is conserved. In addition, this alteration is predicted to be tolerated by in silico analysis. Based on the available evidence, the clinical significance of this variant remains unclear.